The following is an entry in ClinVar:

ClinVar aggregate classification (germline): Uncertain significance (1 of 4 stars; one submission).

Allele frequency attached by ClinVar (database versions not stated): gnomAD exomes 0.00001; TOPMed 0.00001; gnomAD 0.00002; ExAC 0.00012; 1000 Genomes Project 0.00040; 1000 Genomes Project 30x 0.00047.
gnomAD v4.1: 13 of 1,555,692 alleles (0.00084%); highest among the groups gnomAD compares: South Asian, 0.016%; no homozygotes.

Submission:

Labcorp Genetics (formerly Invitae), Labcorp
Classification: Uncertain significance. Last evaluated: 2022-10-23. Review status: criteria provided, single submitter. Criteria: Invitae Variant Classification Sherloc (09022015). Collection method: clinical testing. Allele origin: germline.
Comment: This sequence change replaces valine, which is neutral and non-polar, with isoleucine, which is neutral and non-polar, at codon 814 of the RIMS1 protein (p.Val814Ile). This variant is present in population databases (rs545824410, gnomAD 0.02%). This variant has not been reported in the literature in individuals affected with RIMS1-related conditions. Algorithms developed to predict the effect of missense changes on protein structure and function (SIFT, PolyPhen-2, Align-GVGD) all suggest that this variant is likely to be tolerated. In summary, the available evidence is currently insufficient to determine the role of this variant in disease. Therefore, it has been classified as a Variant of Uncertain Significance.

NM_014989.7(RIMS1):c.2440G>A (p.Val814Ile)

Gene: RIMS1 (regulating synaptic membrane exocytosis 1; plus strand). Cytogenetic location: 6q13.
Variant type: single nucleotide variant.
Coding change: c.2440G>A on transcript NM_014989.7 (MANE Select); coding-DNA position 2440, G replaced by A.
Protein change: p.Val814Ile; replaces valine 814 with isoleucine.
Molecular consequence: missense variant.
Genome position (GRCh38, 1-based): chr6:72,250,988, G>A. VCF-style: chr6-72250988-G-A. GRCh37 (hg19) VCF-style: chr6-72960691-G-A.
Other names: c.862G>A, p.Val288Ile (NM_001350433.2, NM_001350434.2, NM_001350435.2 and 37 more transcripts); c.793G>A, p.Val265Ile (NM_001350437.2, NM_001350459.2, NM_001350462.2 and 6 more transcripts); c.619G>A, p.Val207Ile (NM_001350461.2, NM_001350463.2, NM_001168409.2 and 6 more transcripts); c.817G>A, p.Val273Ile (NM_001168410.2, NM_001350470.2, NM_001350472.2 and 2 more transcripts); short protein forms V265I, V814I, V207I, V273I, V288I.
Identifiers: ClinVar variation 1954161 (VCV001954161.5), dbSNP rs545824410, ClinGen allele CA3885966.
Genomic context (GRCh38, chr6:72,250,988, plus strand): 5'-AGTAAAAGGAGGACCAAAACAGTAAAGAAAATACTAGAACCAAAATGGAATCAAACTTTT[G>A]TCTATTCACATGTACATCGTAGAGATTTTAGAGAACGAATGTTAGAAATAACTGTGTGGG-3'
Protein context (NP_055804.2, residues 804-824): ILEPKWNQTF[Val814Ile]YSHVHRRDFR